The following is an entry in ClinVar:

ClinVar aggregate classification (germline): Likely benign. Review status: criteria provided, single submitter (1 of 4 stars). 2 submissions from 2 submitters: Likely benign (1). 1 of the submissions does not count toward it. Last evaluated 2025-10-05.

Conditions:
GNAS-related disorder. Identifiers: MedGen CN380105.

Allele frequency attached by ClinVar (database versions not stated): gnomAD 0.00001; ExAC 0.00002; gnomAD exomes 0.00002 and 0.00008; TOPMed 0.00002.
gnomAD v4.1: 113 of 1,612,564 alleles (0.007%); highest among the groups gnomAD compares: Non-Finnish European, 0.0092%; no homozygotes.

Submissions (2):

Labcorp Genetics (formerly Invitae), Labcorp
Classification: Likely benign. Last evaluated: 2025-10-05. Review status: criteria provided, single submitter. Criteria: Invitae Variant Classification Sherloc (09022015). Collection method: clinical testing. Allele origin: germline.

PreventionGenetics, part of Exact Sciences
Classification: Likely benign for GNAS-related condition. Last evaluated: 2021-12-01. Review status: no assertion criteria provided. Collection method: clinical testing. Allele origin: germline. Not counted in ClinVar's aggregate classification.
Comment: This variant is classified as likely benign based on ACMG/AMP sequence variant interpretation guidelines (Richards et al. 2015 PMID: 25741868, with internal and published modifications).

NM_000516.7(GNAS):c.891C>T (p.Leu297=)

Gene: GNAS (GNAS complex locus; plus strand). Cytogenetic location: 20q13.32.
Variant type: single nucleotide variant.
Coding change: c.891C>T on transcript NM_000516.7 (MANE Select); coding-DNA position 891, C replaced by T.
Protein change: p.Leu297=; no amino-acid change (leucine 297 retained).
Molecular consequence: synonymous variant. On other transcripts: 3 prime UTR variant (2).
Genome position (GRCh38, 1-based): chr20:58,910,002, C>T. VCF-style: chr20-58910002-C-T. GRCh37 (hg19) VCF-style: chr20-57485057-C-T.
Other names: c.894C>T, p.Leu298= (NM_001077488.5); c.846C>T, p.Leu282= (NM_001077489.4); c.*752C>T (NM_001077490.3); c.714C>T, p.Leu238= (NM_001309840.2, NM_001309861.2); c.*797C>T (NM_016592.5); c.2820C>T, p.Leu940= (NM_080425.4); c.849C>T, p.Leu283= (NM_080426.4).
Identifiers: ClinVar variation 733035 (VCV000733035.8), dbSNP rs767792339, ClinGen allele CA9927257.